The following is an entry in ClinVar:

ClinVar aggregate classification (germline): Likely benign. Review status: criteria provided, multiple submitters, no conflicts (2 of 4 stars). 4 submissions from 4 submitters: Likely benign (3). 1 of the submissions does not count toward it. Last evaluated 2025-12-01.

Conditions:
ELANE-related disorder. Also called: ELANE-related condition.
Cyclical neutropenia. Also called: Cyclic hematopoiesis; Cyclic Neutropenia. Identifiers: Orphanet 2686, MedGen C0221023, MONDO:0008090, OMIM 162800, HP:0040289. Disease mechanism: loss of function.
Neutropenia, severe congenital, 1, autosomal dominant. Identifiers: MedGen C1859966, MONDO:0042490, OMIM 202700.
Inborn genetic diseases. Identifiers: MedGen C0950123, MeSH D030342.

Allele frequency attached by ClinVar (database versions not stated): TOPMed 0.00001; gnomAD 0.00004.

Submissions (4):

Labcorp Genetics (formerly Invitae), Labcorp
Classification: Likely benign for Neutropenia, severe congenital, 1, autosomal dominant; Cyclical neutropenia. Last evaluated: 2025-12-01. Review status: criteria provided, single submitter. Criteria: Invitae Variant Classification Sherloc (09022015). Collection method: clinical testing. Allele origin: germline.

Ambry Genetics
Classification: Likely benign for Inborn genetic diseases. Last evaluated: 2024-11-18. Review status: criteria provided, single submitter. Criteria: Ambry Variant Classification Scheme 2023. Collection method: clinical testing. Allele origin: germline.

Blueprint Genetics
Classification: Likely benign. Last evaluated: 2024-08-26. Review status: criteria provided, single submitter. Criteria: ACMG Guidelines, 2015. Collection method: clinical testing. Allele origin: germline.

PreventionGenetics, part of Exact Sciences
Classification: Likely benign for ELANE-related condition. Last evaluated: 2019-07-19. Review status: no assertion criteria provided. Collection method: clinical testing. Allele origin: germline. Not counted in ClinVar's aggregate classification.
Comment: This variant is classified as likely benign based on ACMG/AMP sequence variant interpretation guidelines (Richards et al. 2015 PMID: 25741868, with internal and published modifications).

NM_001972.4(ELANE):c.495C>T (p.Ile165=)

Gene: ELANE (elastase, neutrophil expressed; plus strand). Cytogenetic location: 19p13.3.
Variant type: single nucleotide variant.
Coding change: c.495C>T on transcript NM_001972.4 (MANE Select); coding-DNA position 495, C replaced by T.
Protein change: p.Ile165=; no amino-acid change (isoleucine 165 retained).
Molecular consequence: synonymous variant.
Genome position (GRCh38, 1-based): chr19:855,692, C>T. VCF-style: chr19-855692-C-T. GRCh37 (hg19) VCF-style: chr19-855692-C-T.
Other names: c.495C>T (NM_001972.3, NM_001972.2).
Identifiers: ClinVar variation 1104907 (VCV001104907.15), dbSNP rs200923638, ClinGen allele CA9026073.